The following is an entry in ClinVar:

NM_017763.6(RNF43):c.593A>C (p.Asp198Ala)

Gene: RNF43 (ring finger protein 43; minus strand). Cytogenetic location: 17q22.
Variant type: single nucleotide variant.
Coding change: c.593A>C on transcript NM_017763.6 (MANE Select); coding-DNA position 593, A replaced by C.
Protein change: p.Asp198Ala; replaces aspartic acid 198 with alanine.
Molecular consequence: missense variant.
Genome position (GRCh38, 1-based): chr17:58,362,638, T>G on the plus strand (A>C on the coding strand, the complement: RNF43 is on the minus strand). VCF-style: chr17-58362638-T-G. GRCh37 (hg19) VCF-style: chr17-56439999-T-G.
Other names: c.593A>C, p.Asp198Ala (NM_001305544.3, NM_001438820.1, NM_001438821.1 and 1 more transcripts); c.212A>C, p.Asp71Ala (NM_001305545.2, NM_001437987.1); short protein forms D198A, D71A.
Identifiers: ClinVar variation 4579000 (VCV004579000.1).
Genomic context (GRCh38, chr17:58,362,638, plus strand): 5'-AGCACCGAAGCCAGGATGATCACAAAGATGGTGCCCACCACTGTCATTAGGATCCACACA[T>G]CATAATCTGGCTGGGGAGTGAGCAGAGAGGGAAAGGGTCATACTTCCGGGATGAGCTGGG-3'
Protein context (NP_060233.3, residues 188-208): LKEPPAWPDY[Asp198Ala]VWILMTVVGT

ClinVar aggregate classification (germline): Uncertain significance (1 of 4 stars; one submission).

gnomAD v4.1: 1 of 1,610,190 alleles (0.000062%); highest among the groups gnomAD compares: Non-Finnish European, 0.000085%; no homozygotes.

Submission:

Ambry Genetics
Classification: Uncertain significance. Last evaluated: 2025-11-15. Review status: criteria provided, single submitter. Criteria: Ambry Variant Classification Scheme 2023. Collection method: clinical testing. Allele origin: germline.
Comment: The p.D198A variant (also known as c.593A>C), located in coding exon 5 of the RNF43 gene, results from an A to C substitution at nucleotide position 593. The aspartic acid at codon 198 is replaced by alanine, an amino acid with dissimilar properties. This amino acid position is conserved. In addition, the in silico prediction for this alteration is inconclusive. Based on the available evidence, the clinical significance of this variant remains unclear.